The following is an entry in ClinVar:

NM_015272.5(RPGRIP1L):c.2537T>C (p.Val846Ala)

Gene: RPGRIP1L (RPGRIP1 like; minus strand). Cytogenetic location: 16q12.2.
Variant type: single nucleotide variant.
Coding change: c.2537T>C on transcript NM_015272.5 (MANE Select); coding-DNA position 2537, T replaced by C.
Protein change: p.Val846Ala; replaces valine 846 with alanine.
Molecular consequence: missense variant.
Genome position (GRCh38, 1-based): chr16:53,645,771, A>G on the plus strand (T>C on the coding strand, the complement: RPGRIP1L is on the minus strand). VCF-style: chr16-53645771-A-G. GRCh37 (hg19) VCF-style: chr16-53679683-A-G.
Other names: c.2537T>C, p.Val846Ala (NM_001127897.4, NM_001308334.3, NM_001330538.2); c.2537T>C (NM_015272.4); short protein forms V846A.
Identifiers: ClinVar variation 319657 (VCV000319657.11), dbSNP rs750235612, ClinGen allele CA8057529.
Genomic context (GRCh38, chr16:53,645,771, plus strand): 5'-AAAACATAAAAACTCAGAGACTCTGACTTAAGGTATCGATCCAAGTCCATATTCATTGGC[A>G]CTGGGAAATACATATGATCATCAAACTGTGGATCATTGCTACTGGGAATGATAGCTGTAT-3'
Protein context (NP_056087.2, residues 836-856): PQFDDHMYFP[Val846Ala]PMNMDLDRYL

ClinVar aggregate classification (germline): Uncertain significance. Review status: criteria provided, multiple submitters, no conflicts (2 of 4 stars). 7 submissions from 5 submitters: Uncertain significance (7). Last evaluated 2025-02-09.

Conditions:
RPGRIP1L-related disorder. Also called: RPGRIP1L-related disorders; RPGRIP1L-related condition. Identifiers: MedGen CN239416.
Joubert syndrome. Also called: Familial aplasia of the vermis; JOUBERT-BOLTSHAUSER SYNDROME. Identifiers: Orphanet 475, MedGen C5979921, MONDO:0018772.
Meckel-Gruber syndrome. Also called: DYSENCEPHALIA SPLANCHNOCYSTICA; GRUBER SYNDROME; Dysencephalia splachnocystica. Identifiers: Orphanet 564, MedGen C0265215, MONDO:0018921.
Joubert syndrome 7 (JBTS7). Identifiers: Orphanet 220497, MedGen C1969053, MONDO:0012694, OMIM 611560.
Inborn genetic diseases. Identifiers: MedGen C0950123, MeSH D030342.
Nephronophthisis 8. Identifiers: MedGen CN119610.
Meckel syndrome, type 5 (MKS5). Identifiers: Orphanet 564, MedGen C1969052, MONDO:0012695, OMIM 611561.

Allele frequency attached by ClinVar (database versions not stated): gnomAD exomes 0.00003 and 0.00005; ExAC 0.00005; TOPMed 0.00005; gnomAD 0.00007.
gnomAD v4.1: 50 of 1,614,038 alleles (0.0031%); highest among the groups gnomAD compares: Admixed American, 0.017%; no homozygotes.

Submissions (7):

PreventionGenetics, part of Exact Sciences
Classification: Uncertain significance for RPGRIP1L-related condition. Last evaluated: 2025-02-09. Review status: criteria provided, single submitter. Criteria: ACMG Guidelines, 2015. Collection method: clinical testing. Allele origin: germline.
Comment: The RPGRIP1L c.2537T>C variant is predicted to result in the amino acid substitution p.Val846Ala. To our knowledge, this variant has not been reported in the literature. This variant is reported in 0.0079% of alleles in individuals of European (non-Finnish) descent in gnomAD. At this time, the clinical significance of this variant is uncertain due to the absence of conclusive functional and genetic evidence.

Labcorp Genetics (formerly Invitae), Labcorp
Classification: Uncertain significance for Joubert syndrome; Meckel-Gruber syndrome. Last evaluated: 2024-11-05. Review status: criteria provided, single submitter. Criteria: Invitae Variant Classification Sherloc (09022015). Collection method: clinical testing. Allele origin: germline.
Comment: This sequence change replaces valine, which is neutral and non-polar, with alanine, which is neutral and non-polar, at codon 846 of the RPGRIP1L protein (p.Val846Ala). This variant is present in population databases (rs750235612, gnomAD 0.008%). This variant has not been reported in the literature in individuals affected with RPGRIP1L-related conditions. ClinVar contains an entry for this variant (Variation ID: 319657). Invitae Evidence Modeling of protein sequence and biophysical properties (such as structural, functional, and spatial information, amino acid conservation, physicochemical variation, residue mobility, and thermodynamic stability) indicates that this missense variant is expected to disrupt RPGRIP1L protein function with a positive predictive value of 80%. In summary, the available evidence is currently insufficient to determine the role of this variant in disease. Therefore, it has been classified as a Variant of Uncertain Significance.

Blueprint Genetics
Classification: Uncertain significance. Last evaluated: 2024-10-21. Review status: criteria provided, single submitter. Criteria: ACMG Guidelines, 2015. Collection method: clinical testing. Allele origin: germline.

Ambry Genetics
Classification: Uncertain significance for Inborn genetic diseases. Last evaluated: 2023-09-20. Review status: criteria provided, single submitter. Criteria: Ambry Variant Classification Scheme 2023. Collection method: clinical testing. Allele origin: germline.

Illumina Laboratory Services, Illumina
Classification: Uncertain significance for Meckel syndrome, type 5. Last evaluated: 2018-01-12. Review status: criteria provided, single submitter. Criteria: ICSL Variant Classification Criteria 13 December 2019. Collection method: clinical testing. Allele origin: germline.

Illumina Laboratory Services, Illumina
Classification: Uncertain significance for Nephronophthisis 8. Last evaluated: 2018-01-12. Review status: criteria provided, single submitter. Criteria: ICSL Variant Classification Criteria 13 December 2019. Collection method: clinical testing. Allele origin: germline.

Illumina Laboratory Services, Illumina
Classification: Uncertain significance for Joubert syndrome 7. Last evaluated: 2018-01-12. Review status: criteria provided, single submitter. Criteria: ICSL Variant Classification Criteria 13 December 2019. Collection method: clinical testing. Allele origin: germline.